The following is an entry in ClinVar:

ClinVar aggregate classification (germline): Pathogenic (1 of 4 stars; one submission).

Submission:

Labcorp Genetics (formerly Invitae), Labcorp
Classification: Pathogenic. Last evaluated: 2023-08-04. Review status: criteria provided, single submitter. Criteria: Invitae Variant Classification Sherloc (09022015). Collection method: clinical testing. Allele origin: germline.
Comment: For these reasons, this variant has been classified as Pathogenic. This variant has not been reported in the literature in individuals affected with NPHS1-related conditions. This variant is not present in population databases (gnomAD no frequency). This sequence change creates a premature translational stop signal (p.Leu846*) in the NPHS1 gene. It is expected to result in an absent or disrupted protein product. Loss-of-function variants in NPHS1 are known to be pathogenic (PMID: 11317351, 11854170, 12039988).

Literature cited by the submitters: PubMed 11317351; PubMed 11854170; PubMed 12039988.

NM_004646.4(NPHS1):c.2536del (p.Pro845_Leu846insTer)

Gene: NPHS1 (NPHS1 adhesion molecule, nephrin; minus strand). Cytogenetic location: 19q13.12.
Variant type: Deletion.
Coding change: c.2536del on transcript NM_004646.4 (MANE Select); coding-DNA position 2536, one base deleted (C; older notation c.2536delC).
Protein change: p.Pro845_Leu846insTer.
Molecular consequence: nonsense.
Genome position (GRCh38, 1-based): chr19:35,842,251, G deleted on the plus strand (C on the coding strand, the reverse complement: NPHS1 is on the minus strand); the first of 4 consecutive G bases (chr19:35,842,251-35,842,254); deleting any one gives the same sequence. VCF-style (leftmost placement, unchanged base first): chr19-35842250-AG-A. GRCh37 (hg19) VCF-style: chr19-36333152-AG-A.
Identifiers: ClinVar variation 2747606 (VCV002747606.3), dbSNP rs2513769198, ClinGen allele CA2584602283.